The following is an entry in ClinVar:

NM_007289.4(MME):c.2009G>A (p.Gly670Asp)

Gene: MME (membrane metalloendopeptidase; plus strand). Cytogenetic location: 3q25.2.
Variant type: single nucleotide variant.
Coding change: c.2009G>A on transcript NM_007289.4 (MANE Select); coding-DNA position 2009, G replaced by A.
Protein change: p.Gly670Asp; replaces glycine 670 with aspartic acid.
Molecular consequence: missense variant.
Genome position (GRCh38, 1-based): chr3:155,172,145, G>A. VCF-style: chr3-155172145-G-A. GRCh37 (hg19) VCF-style: chr3-154889934-G-A.
Other names: c.2009G>A, p.Gly670Asp (NM_000902.5, NM_001354642.2, NM_001354643.1 and 2 more transcripts); short protein forms G670D.
Identifiers: ClinVar variation 2064393 (VCV002064393.4), dbSNP rs562989515, ClinGen allele CA2675721.

ClinVar aggregate classification (germline): Uncertain significance (1 of 4 stars; one submission).

Allele frequency attached by ClinVar (database versions not stated): ExAC 0.00002; gnomAD 0.00003; 1000 Genomes Project 30x 0.00062; gnomAD exomes 0.00002; 1000 Genomes Project 0.00080.
gnomAD v4.1: 27 of 1,609,654 alleles (0.0017%); highest among the groups gnomAD compares: South Asian, 0.027%; no homozygotes.

Submission:

Labcorp Genetics (formerly Invitae), Labcorp
Classification: Uncertain significance. Last evaluated: 2022-07-21. Review status: criteria provided, single submitter. Criteria: Invitae Variant Classification Sherloc (09022015). Collection method: clinical testing. Allele origin: germline.
Comment: This sequence change replaces glycine, which is neutral and non-polar, with aspartic acid, which is acidic and polar, at codon 670 of the MME protein (p.Gly670Asp). This variant is present in population databases (rs562989515, gnomAD 0.01%). In summary, the available evidence is currently insufficient to determine the role of this variant in disease. Therefore, it has been classified as a Variant of Uncertain Significance. Algorithms developed to predict the effect of missense changes on protein structure and function are either unavailable or do not agree on the potential impact of this missense change (SIFT: "Deleterious"; PolyPhen-2: "Probably Damaging"; Align-GVGD: "Class C0"). This variant has not been reported in the literature in individuals affected with MME-related conditions.